The following is an entry in ClinVar:

NM_004408.4(DNM1):c.385+6G>A

Genes: DNM1 (dynamin 1; plus strand), LOC113839516 (Sharpr-MPRA regulatory region 8497; plus strand). Cytogenetic location: 9q34.11.
Variant type: single nucleotide variant.
Coding change: c.385+6G>A on transcript NM_004408.4 (MANE Select); 6 bases into the intron after coding-DNA position 385, G replaced by A.
Molecular consequence: intron variant.
Genome position (GRCh38, 1-based): chr9:128,218,737, G>A. VCF-style: chr9-128218737-G-A. GRCh37 (hg19) VCF-style: chr9-130981016-G-A.
Other names: c.385+6G>A (NM_001005336.3, NM_001374269.1, NM_001288738.2 and 2 more transcripts).
Identifiers: ClinVar variation 4810470 (VCV004810470.1).

ClinVar aggregate classification (germline): Uncertain significance (1 of 4 stars; one submission).

Conditions:
Developmental and epileptic encephalopathy, 31A. Also called: Epileptic encephalopathy, early infantile, 31; Developmental and epileptic encephalopathy, 31. Identifiers: Orphanet 2382, MedGen C4225357, MONDO:0014598, OMIM 616346.

Submission:

Labcorp Genetics (formerly Invitae), Labcorp
Classification: Uncertain significance for Developmental and epileptic encephalopathy, 31A. Last evaluated: 2025-11-17. Review status: criteria provided, single submitter. Criteria: Invitae Variant Classification Sherloc (09022015). Collection method: clinical testing. Allele origin: germline.
Comment: This sequence change falls in intron 3 of the DNM1 gene. It does not directly change the encoded amino acid sequence of the DNM1 protein. It affects a nucleotide within the consensus splice site. This variant is not present in population databases (gnomAD no frequency). This variant has not been reported in the literature in individuals affected with DNM1-related conditions. Variants that disrupt the consensus splice site are a relatively common cause of aberrant splicing (PMID: 17576681, 9536098). Algorithms developed to predict the effect of sequence changes on RNA splicing suggest that this variant is not likely to affect RNA splicing. In summary, the available evidence is currently insufficient to determine the role of this variant in disease. Therefore, it has been classified as a Variant of Uncertain Significance.

Literature cited by the submitters: PubMed 17576681; PubMed 9536098.